The following is an entry in ClinVar:

ClinVar aggregate classification (germline): Uncertain significance (1 of 4 stars; one submission).

gnomAD v4.1: 4 of 1,614,012 alleles (0.00025%); highest among the groups gnomAD compares: Non-Finnish European, 0.00034%; no homozygotes.

Submission:

Labcorp Genetics (formerly Invitae), Labcorp
Classification: Uncertain significance. Last evaluated: 2024-08-23. Review status: criteria provided, single submitter. Criteria: Invitae Variant Classification Sherloc (09022015). Collection method: clinical testing. Allele origin: germline.
Comment: This sequence change falls in intron 11 of the TUBGCP6 gene. It does not directly change the encoded amino acid sequence of the TUBGCP6 protein. It affects a nucleotide within the consensus splice site. This variant is present in population databases (no rsID available, gnomAD 0.0009%). This variant has not been reported in the literature in individuals affected with TUBGCP6-related conditions. Variants that disrupt the consensus splice site are a relatively common cause of aberrant splicing (PMID: 17576681, 9536098). Algorithms developed to predict the effect of sequence changes on RNA splicing suggest that this variant may disrupt the consensus splice site. In summary, the available evidence is currently insufficient to determine the role of this variant in disease. Therefore, it has been classified as a Variant of Uncertain Significance.

Literature cited by the submitters: PubMed 17576681; PubMed 9536098.

NM_020461.4(TUBGCP6):c.2065+6T>C

Gene: TUBGCP6 (tubulin gamma complex component 6; minus strand). Cytogenetic location: 22q13.33.
Variant type: single nucleotide variant.
Coding change: c.2065+6T>C on transcript NM_020461.4 (MANE Select); 6 bases into the intron after coding-DNA position 2065, T replaced by C.
Molecular consequence: intron variant.
Genome position (GRCh38, 1-based): chr22:50,224,505, A>G on the plus strand (T>C on the coding strand, the complement: TUBGCP6 is on the minus strand). VCF-style: chr22-50224505-A-G. GRCh37 (hg19) VCF-style: chr22-50662934-A-G.
Identifiers: ClinVar variation 3681319 (VCV003681319.2).